The following is an entry in ClinVar:

ClinVar aggregate classification (germline): Pathogenic (1 of 4 stars; one submission).

Conditions:
Dyskeratosis congenita, autosomal recessive 5 (DKCB5). Identifiers: MedGen C3554656, MONDO:0014076, OMIM 615190.
Pulmonary fibrosis and/or bone marrow failure, Telomere-related, 3. Also called: PULMONARY FIBROSIS AND/OR BONE MARROW FAILURE SYNDROME, TELOMERE-RELATED, 3. Identifiers: Orphanet 2032, MedGen C4225346, MONDO:0014613, OMIM 616373.

Submission:

Labcorp Genetics (formerly Invitae), Labcorp
Classification: Pathogenic for Dyskeratosis congenita, autosomal recessive 5; Pulmonary fibrosis and/or bone marrow failure, Telomere-related, 3. Last evaluated: 2024-12-19. Review status: criteria provided, single submitter. Criteria: Invitae Variant Classification Sherloc (09022015). Collection method: clinical testing. Allele origin: germline.
Comment: This sequence change creates a premature translational stop signal (p.Glu406Argfs*17) in the RTEL1 gene. It is expected to result in an absent or disrupted protein product. Loss-of-function variants in RTEL1 are known to be pathogenic (PMID: 23453664, 23959892, 25607374). This variant is not present in population databases (gnomAD no frequency). This variant has not been reported in the literature in individuals affected with RTEL1-related conditions. Algorithms developed to predict the effect of sequence changes on RNA splicing suggest that this variant may disrupt the consensus splice site. For these reasons, this variant has been classified as Pathogenic.

Literature cited by the submitters: PubMed 23453664; PubMed 23959892; PubMed 25607374.

NM_001283009.2(RTEL1):c.1215dup (p.Glu406fs)

Genes: RTEL1 (regulator of telomere elongation helicase 1; plus strand), RTEL1-TNFRSF6B (RTEL1-TNFRSF6B readthrough (NMD candidate); plus strand). Cytogenetic location: 20q13.33.
Variant type: Duplication.
Coding change: c.1215dup on transcript NM_001283009.2 (MANE Select); coding-DNA position 1215, one base duplicated (C; older notation c.1215dupC).
Protein change: p.Glu406fs; shifts the reading frame from glutamic acid 406.
Molecular consequence: frameshift variant. On other transcripts: non-coding transcript variant (1).
Genome position (GRCh38, 1-based): chr20:63,685,546, C duplicated; the last of 2 consecutive C bases (chr20:63,685,545-63,685,546); duplicating either gives the same sequence. VCF-style (leftmost placement, unchanged base first): chr20-63685544-T-TC. GRCh37 (hg19) VCF-style: chr20-62316897-T-TC.
Other names: c.546dup, p.Glu183fs (NM_001283010.1); c.1215dup, p.Glu406fs (NM_016434.4); c.1287dup, p.Glu430fs (NM_032957.5); short protein forms E183fs, E406fs, E430fs.
Identifiers: ClinVar variation 3760112 (VCV003760112.2).
Genomic context (GRCh38, chr20:63,685,544, plus strand): 5'-TCAGGCTCCTGACGGGGCTGCACTTCCTCTGCCTTTCAGATTGTGTTCAGTGTGGACCCC[T>TC]CCGAGGGCAGCCCTGGTTCCCCAGCAGGGCTGGGGGCCTTACAGTCCTATAAGGTAGGGG-3'